The following is an entry in ClinVar:

NM_001267550.2(TTN):c.3574C>T (p.Gln1192Ter)

Gene: TTN (titin; minus strand). Cytogenetic location: 2q31.2.
Variant type: single nucleotide variant.
Coding change: c.3574C>T on transcript NM_001267550.2 (MANE Select); coding-DNA position 3574, C replaced by T.
Protein change: p.Gln1192Ter; replaces glutamine 1192 with a stop codon.
Molecular consequence: nonsense.
Genome position (GRCh38, 1-based): chr2:178,780,155, G>A on the plus strand (C>T on the coding strand, the complement: TTN is on the minus strand). VCF-style: chr2-178780155-G-A. GRCh37 (hg19) VCF-style: chr2-179644882-G-A.
Other names: c.3574C>T, p.Gln1192Ter (NM_001256850.1, NM_133378.4, NM_133379.5); c.3436C>T, p.Gln1146Ter (NM_003319.4, NM_133432.3, NM_133437.4); short protein forms Q1146*, Q1192*.
Identifiers: ClinVar variation 3068606 (VCV003068606.1), dbSNP rs776341264, ClinGen allele CA349482782.

ClinVar aggregate classification (germline): Pathogenic (1 of 4 stars; one submission).

Conditions:
Primary dilated cardiomyopathy (DCM). Also called: Dilated Cardiomyopathy. Identifiers: Orphanet 217604, MedGen C0007193, MeSH D002311, MONDO:0005021, HP:0001644. Inheritance: Various modes of inheritance.

Submission:

Molecular Genetics, Royal Melbourne Hospital
Classification: Pathogenic for Primary dilated cardiomyopathy. Last evaluated: 2023-03-30. Review status: criteria provided, single submitter. Criteria: ACMG Guidelines, 2015. Collection method: clinical testing. Allele origin: germline. Affected: yes.
Comment: This sequence change in TTN is a nonsense variant predicted to cause a premature stop codon, p.(Gln1192*), in constitutively expressed exon 22 (percentage splice in, PSI, 100%) in the Z-band. High PSI truncating variants in TTN have a significant association with dilated cardiomyopathy (PMID: 31216868). This variant is absent from gnomAD v2.1 and v3.1. This variant has been reported in at least two probands with dilated cardiomyopathy (LOVD; Royal Melbourne Hospital). Based on the classification scheme RMH Modified ACMG Guidelines v1.5.1, this variant is classified as PATHOGENIC. Following criteria are met: PVS1, PS4_Supporting, PM2_Supporting.

Literature cited by the submitters: PubMed 31216868.